The following is an entry in ClinVar:

NM_014762.4(DHCR24):c.1480C>T (p.Arg494Ter)

Gene: DHCR24 (24-dehydrocholesterol reductase; minus strand). Cytogenetic location: 1p32.3.
Variant type: single nucleotide variant.
Coding change: c.1480C>T on transcript NM_014762.4 (MANE Select); coding-DNA position 1480, C replaced by T.
Protein change: p.Arg494Ter; replaces arginine 494 with a stop codon.
Molecular consequence: nonsense.
Genome position (GRCh38, 1-based): chr1:54,852,304, G>A on the plus strand (C>T on the coding strand, the complement: DHCR24 is on the minus strand). VCF-style: chr1-54852304-G-A. GRCh37 (hg19) VCF-style: chr1-55317977-G-A.
Other names: short protein forms R494*.
Identifiers: ClinVar variation 828023 (VCV000828023.1), dbSNP rs563822834, ClinGen allele CA340469327.

ClinVar aggregate classification (germline): Uncertain significance (1 of 4 stars; one submission).

Conditions:
Desmosterolosis. Identifiers: Orphanet 35107, MedGen C1865596, MONDO:0011217, OMIM 602398.

gnomAD v4.1: 2 of 1,614,180 alleles (0.00012%); highest among the groups gnomAD compares: South Asian, 0.0011%; no homozygotes.

Submission:

HudsonAlpha Institute for Biotechnology
Classification: Uncertain significance for Desmosterolosis. Last evaluated: 2020-01-10. Review status: criteria provided, single submitter. Criteria: ACMG Guidelines, 2015. Collection method: research. Allele origin: paternal. Observed: 1 variant allele. Study: CSER-SouthSeq.
Comment: ACMG codes: PM2, PP4